The following is an entry in ClinVar:

NM_001062.4(TCN1):c.160G>A (p.Ala54Thr)

Gene: TCN1 (transcobalamin 1; minus strand). Cytogenetic location: 11q12.1.
Variant type: single nucleotide variant.
Coding change: c.160G>A on transcript NM_001062.4 (MANE Select); coding-DNA position 160, G replaced by A.
Protein change: p.Ala54Thr; replaces alanine 54 with threonine.
Molecular consequence: missense variant.
Genome position (GRCh38, 1-based): chr11:59,864,006, C>T on the plus strand (G>A on the coding strand, the complement: TCN1 is on the minus strand). VCF-style: chr11-59864006-C-T. GRCh37 (hg19) VCF-style: chr11-59631479-C-T.
Other names: c.160G>A (NM_001062.3); short protein forms A54T.
Identifiers: ClinVar variation 2142660 (VCV002142660.5), dbSNP rs200856109, ClinGen allele CA6022114.

ClinVar aggregate classification (germline): Uncertain significance. Review status: criteria provided, multiple submitters, no conflicts (2 of 4 stars). 2 submissions from 2 submitters: Uncertain significance (2). Last evaluated 2025-08-28.

Conditions:
Transcobalamin I deficiency (TCN1D). Also called: TCN1 DEFICIENCY; COBALAMIN PSEUDODEFICIENCY DUE TO TRANSCOBALAMIN DEFICIENCY; COBALAMIN R BINDER PROTEIN DEFICIENCY. Identifiers: Orphanet 2967, MedGen C0342700, MONDO:0008659, OMIM 193090.

Allele frequency attached by ClinVar (database versions not stated): TOPMed 0.00005; gnomAD 0.00007; 1000 Genomes Project 0.00060; 1000 Genomes Project 30x 0.00062.
gnomAD v4.1: 41 of 1,613,908 alleles (0.0025%); highest among the groups gnomAD compares: East Asian, 0.036%; no homozygotes.

Submissions (2):

Ambry Genetics
Classification: Uncertain significance. Last evaluated: 2025-08-28. Review status: criteria provided, single submitter. Criteria: Ambry Variant Classification Scheme 2023. Collection method: clinical testing. Allele origin: germline.

Labcorp Genetics (formerly Invitae), Labcorp
Classification: Uncertain significance for Transcobalamin I deficiency. Last evaluated: 2022-11-22. Review status: criteria provided, single submitter. Criteria: Invitae Variant Classification Sherloc (09022015). Collection method: clinical testing. Allele origin: germline.
Comment: In summary, the available evidence is currently insufficient to determine the role of this variant in disease. Therefore, it has been classified as a Variant of Uncertain Significance. Algorithms developed to predict the effect of missense changes on protein structure and function output the following: SIFT: "Tolerated"; PolyPhen-2: "Benign"; Align-GVGD: "Class C0". The threonine amino acid residue is found in multiple mammalian species, which suggests that this missense change does not adversely affect protein function. This variant has not been reported in the literature in individuals affected with TCN1-related conditions. This variant is present in population databases (rs200856109, gnomAD 0.06%). This sequence change replaces alanine, which is neutral and non-polar, with threonine, which is neutral and polar, at codon 54 of the TCN1 protein (p.Ala54Thr).